The following is an entry in ClinVar:

NM_002076.4(GNS):c.760C>A (p.Pro254Thr)

Gene: GNS (glucosamine (N-acetyl)-6-sulfatase; minus strand). Cytogenetic location: 12q14.3.
Variant type: single nucleotide variant.
Coding change: c.760C>A on transcript NM_002076.4 (MANE Select); coding-DNA position 760, C replaced by A.
Protein change: p.Pro254Thr; replaces proline 254 with threonine.
Molecular consequence: missense variant.
Genome position (GRCh38, 1-based): chr12:64,743,173, G>T on the plus strand (C>A on the coding strand, the complement: GNS is on the minus strand). VCF-style: chr12-64743173-G-T. GRCh37 (hg19) VCF-style: chr12-65136953-G-T.
Other names: short protein forms P254T.
Identifiers: ClinVar variation 2140877 (VCV002140877.2), dbSNP rs2539523616, ClinGen allele CA385608880.
Genomic context (GRCh38, chr12:64,743,173, plus strand): 5'-GCTGAATACAAGTGGTGGGGGAAGCTACCGTTCCATGGATGTTGAAGTTCTTGTTTCTTG[G>T]TGCAAAGACATTCTGGAAAGCCTTCTGGTACTGAGGTGCAGCTGTCCAAGGCGAATGAGG-3'
Protein context (NP_002067.1, residues 244-264): YQKAFQNVFA[Pro254Thr]RNKNFNIHGT

ClinVar aggregate classification (germline): Uncertain significance (1 of 4 stars; one submission).

Conditions:
Mucopolysaccharidosis, MPS-III-D (MPS3D). Also called: N-ACETYLGLUCOSAMINE-6-SULFATASE DEFICIENCY; SANFILIPPO SYNDROME D; MPS III D; Mucopoly-saccharidosis type 3D; N-acetylglucosamine-6-sulfate sulfatase deficiency; MPS 3D. Identifiers: Orphanet 581, Orphanet 79272, MedGen C0086650, MONDO:0009658, OMIM 252940.

Submission:

Labcorp Genetics (formerly Invitae), Labcorp
Classification: Uncertain significance for Mucopolysaccharidosis, MPS-III-D. Last evaluated: 2023-11-27. Review status: criteria provided, single submitter. Criteria: Invitae Variant Classification Sherloc (09022015). Collection method: clinical testing. Allele origin: germline.
Comment: This sequence change replaces proline, which is neutral and non-polar, with threonine, which is neutral and polar, at codon 254 of the GNS protein (p.Pro254Thr). This variant is not present in population databases (gnomAD no frequency). This variant has not been reported in the literature in individuals affected with GNS-related conditions. ClinVar contains an entry for this variant (Variation ID: 2140877). Advanced modeling of protein sequence and biophysical properties (such as structural, functional, and spatial information, amino acid conservation, physicochemical variation, residue mobility, and thermodynamic stability) performed at Invitae indicates that this missense variant is not expected to disrupt GNS protein function with a negative predictive value of 80%. In summary, the available evidence is currently insufficient to determine the role of this variant in disease. Therefore, it has been classified as a Variant of Uncertain Significance.